The following is an entry in ClinVar:

NM_020964.3(EPG5):c.3048C>T (p.Gly1016=)

Gene: EPG5 (ectopic P-granules 5 autophagy tethering factor; minus strand). Cytogenetic location: 18q21.1.
Variant type: single nucleotide variant.
Coding change: c.3048C>T on transcript NM_020964.3 (MANE Select); coding-DNA position 3048, C replaced by T.
Protein change: p.Gly1016=; no amino-acid change (glycine 1016 retained).
Molecular consequence: synonymous variant.
Genome position (GRCh38, 1-based): chr18:45,922,391, G>A on the plus strand (C>T on the coding strand, the complement: EPG5 is on the minus strand). VCF-style: chr18-45922391-G-A. GRCh37 (hg19) VCF-style: chr18-43502357-G-A.
Identifiers: ClinVar variation 1423679 (VCV001423679.7), dbSNP rs554642077, ClinGen allele CA8949279.
Genomic context (GRCh38, chr18:45,922,391, plus strand): 5'-AACACTGTACCTGTGGCCCACAGCTGTCATAGATAAGGCTAGATAACAGCCAATGGGCAT[G>A]CCCGCTTTCACAGCCTTCAAGAGAGGATGAAACGTGGGTGACTCTGTCATGTCAGGCACA-3'
Protein context (NP_066015.2, residues 1006-1026): FHPLLKAVKA[Gly1016=]MPIGCYLALS

ClinVar aggregate classification (germline): Uncertain significance (1 of 4 stars; one submission).

Conditions:
Vici syndrome (VICIS). Identifiers: Orphanet 1493, MedGen C1855772, MONDO:0009452, OMIM 242840.

Allele frequency attached by ClinVar (database versions not stated): gnomAD exomes below 0.00001; ExAC 0.00001; gnomAD 0.00001; TOPMed 0.00001.
gnomAD v4.1: 7 of 1,614,078 alleles (0.00043%); highest among the groups gnomAD compares: Non-Finnish European, 0.00059%; no homozygotes.

Submission:

Labcorp Genetics (formerly Invitae), Labcorp
Classification: Uncertain significance for Vici syndrome. Last evaluated: 2025-03-05. Review status: criteria provided, single submitter. Criteria: Invitae Variant Classification Sherloc (09022015). Collection method: clinical testing. Allele origin: germline.
Comment: This sequence change affects codon 1016 of the EPG5 mRNA. It is a 'silent' change, meaning that it does not change the encoded amino acid sequence of the EPG5 protein. This variant is present in population databases (rs554642077, gnomAD 0.0009%). This variant has not been reported in the literature in individuals affected with EPG5-related conditions. ClinVar contains an entry for this variant (Variation ID: 1423679). Algorithms developed to predict the effect of sequence changes on RNA splicing suggest that this variant may disrupt the consensus splice site. In summary, the available evidence is currently insufficient to determine the role of this variant in disease. Therefore, it has been classified as a Variant of Uncertain Significance.